The following is an entry in ClinVar:

ClinVar aggregate classification (germline): Uncertain significance (1 of 4 stars; one submission).

Conditions:
Hermansky-Pudlak syndrome 2 (HPS2). Also called: Platelet defects and oculocutaneous albinism. Identifiers: Orphanet 183678, Orphanet 79430, MedGen C1842362, MONDO:0011997, OMIM 608233.

Submission:

Labcorp Genetics (formerly Invitae), Labcorp
Classification: Uncertain significance for Hermansky-Pudlak syndrome 2. Last evaluated: 2022-11-15. Review status: criteria provided, single submitter. Criteria: Invitae Variant Classification Sherloc (09022015). Collection method: clinical testing. Allele origin: germline.
Comment: In summary, the available evidence is currently insufficient to determine the role of this variant in disease. Therefore, it has been classified as a Variant of Uncertain Significance. Algorithms developed to predict the effect of missense changes on protein structure and function (SIFT, PolyPhen-2, Align-GVGD) all suggest that this variant is likely to be tolerated. ClinVar contains an entry for this variant (Variation ID: 1047641). This variant has not been reported in the literature in individuals affected with AP3B1-related conditions. This variant is not present in population databases (gnomAD no frequency). This sequence change replaces histidine, which is basic and polar, with leucine, which is neutral and non-polar, at codon 297 of the AP3B1 protein (p.His297Leu).

NM_003664.5(AP3B1):c.890A>T (p.His297Leu)

Gene: AP3B1 (adaptor related protein complex 3 subunit beta 1; minus strand). Cytogenetic location: 5q14.1.
Variant type: single nucleotide variant.
Coding change: c.890A>T on transcript NM_003664.5 (MANE Select); coding-DNA position 890, A replaced by T.
Protein change: p.His297Leu; replaces histidine 297 with leucine.
Molecular consequence: missense variant.
Genome position (GRCh38, 1-based): chr5:78,181,559, T>A on the plus strand (A>T on the coding strand, the complement: AP3B1 is on the minus strand). VCF-style: chr5-78181559-T-A. GRCh37 (hg19) VCF-style: chr5-77477383-T-A.
Other names: c.743A>T, p.His248Leu (NM_001271769.2); short protein forms H248L, H297L.
Identifiers: ClinVar variation 1047641 (VCV001047641.8), dbSNP rs1744369394, ClinGen allele CA360190299.